The following is an entry in ClinVar:

NM_004974.4(KCNA2):c.1205T>C (p.Ile402Thr)

Gene: KCNA2 (potassium voltage-gated channel subfamily A member 2; minus strand). Cytogenetic location: 1p13.3.
Variant type: single nucleotide variant.
Coding change: c.1205T>C on transcript NM_004974.4 (MANE Select); coding-DNA position 1205, T replaced by C.
Protein change: p.Ile402Thr; replaces isoleucine 402 with threonine.
Molecular consequence: missense variant. On other transcripts: intron variant (1).
Genome position (GRCh38, 1-based): chr1:110,603,578, A>G on the plus strand (T>C on the coding strand, the complement: KCNA2 is on the minus strand). VCF-style: chr1-110603578-A-G. GRCh37 (hg19) VCF-style: chr1-111146200-A-G.
Other names: c.894+311T>C (NM_001204269.2); short protein forms I402T.
Identifiers: ClinVar variation 1307633 (VCV001307633.11), dbSNP rs2101396495, ClinGen allele CA341601340.

ClinVar aggregate classification (germline): Conflicting classifications of pathogenicity. Review status: criteria provided, conflicting classifications (1 of 4 stars). 4 submissions from 4 submitters: Likely pathogenic (3); Uncertain significance (1). Last evaluated 2025-10-22.

Conditions:
Developmental and epileptic encephalopathy, 32 (DEE32). Also called: Epileptic encephalopathy, early infantile, 32. Identifiers: Orphanet 442835, MedGen C4225350, MONDO:0014607, OMIM 616366.
KCNA2-related disorder. Also called: KCNA2-related condition.
Inborn genetic diseases. Identifiers: MedGen C0950123, MeSH D030342.

Submissions (4):

PreventionGenetics, part of Exact Sciences
Classification: Likely pathogenic for KCNA2-related condition. Last evaluated: 2025-10-22. Review status: criteria provided, single submitter. Criteria: ACMG Guidelines, 2015. Collection method: clinical testing. Allele origin: germline.
Comment: The KCNA2 c.1205T>C variant is predicted to result in the amino acid substitution p.Ile402Thr. To our knowledge, this variant has not been reported in the literature or in a large population database (gnomAD), indicating this variant is rare. This variant is interpreted as likely pathogenic.

GeneDx
Classification: Likely pathogenic. Last evaluated: 2025-10-15. Review status: criteria provided, single submitter. Criteria: GeneDx Variant Classification Process June 2021. Collection method: clinical testing. Allele origin: germline. Affected: yes.
Comment: In silico analysis supports that this missense variant has a deleterious effect on protein structure/function; Not observed at significant frequency in large population cohorts (gnomAD); Has not been previously published as pathogenic or benign to our knowledge; This variant is associated with the following publications: (PMID: 20696761)

Ambry Genetics
Classification: Likely pathogenic for Inborn genetic diseases. Last evaluated: 2024-11-18. Review status: criteria provided, single submitter. Criteria: Ambry Variant Classification Scheme 2023. Collection method: clinical testing. Allele origin: germline.
Comment: The c.1205T>C (p.I402T) alteration is located in exon 3 (coding exon 1) of the KCNA2 gene. This alteration results from a T to C substitution at nucleotide position 1205, causing the isoleucine (I) at amino acid position 402 to be replaced by a threonine (T). This variant was not reported in population-based cohorts in the Genome Aggregation Database (gnomAD). This amino acid position is highly conserved in available vertebrate species. This missense alteration is located in a region that has a low rate of benign missense variation (Lek, 2016; Firth, 2009). An animal model expressing this variant exhibited phenotype(s) consistent with KCNA2-related developmental and epileptic encephalopathy (Xie, 2010). In multiple assays testing KCNA2 function, this variant showed functionally abnormal and functionally indeterminant results (Xie, 2010). This alteration is predicted to be deleterious by in silico analysis. Based on the available evidence, this alteration is classified as likely pathogenic.

Labcorp Genetics (formerly Invitae), Labcorp
Classification: Uncertain significance for Developmental and epileptic encephalopathy, 32. Last evaluated: 2021-08-24. Review status: criteria provided, single submitter. Criteria: Invitae Variant Classification Sherloc (09022015). Collection method: clinical testing. Allele origin: germline.
Comment: In summary, the available evidence is currently insufficient to determine the role of this variant in disease. Therefore, it has been classified as a Variant of Uncertain Significance. Experimental studies have shown that this missense change affects KCNA2 function (PMID: 20696761). Advanced modeling of protein sequence and biophysical properties (such as structural, functional, and spatial information, amino acid conservation, physicochemical variation, residue mobility, and thermodynamic stability) performed at Invitae indicates that this missense variant is expected to disrupt KCNA2 protein function. This variant has not been reported in the literature in individuals affected with KCNA2-related conditions. This variant is not present in population databases (ExAC no frequency). This sequence change replaces isoleucine with threonine at codon 402 of the KCNA2 protein (p.Ile402Thr). The isoleucine residue is highly conserved and there is a moderate physicochemical difference between isoleucine and threonine.

Literature cited by the submitters: PubMed 20696761 (cited by Ambry Genetics and Labcorp Genetics (formerly Invitae), Labcorp).